The following is an entry in ClinVar:

ClinVar aggregate classification (germline): Uncertain significance (1 of 4 stars; one submission).

Conditions:
Malignant hyperthermia, susceptibility to, 5 (MHS5). Also called: CACNA1S-Related Malignant Hyperthermia Susceptibility. Identifiers: Orphanet 423, MedGen C1866077, MONDO:0011163, OMIM 601887.

gnomAD v4.1: 1 of 1,613,604 alleles (0.000062%); no homozygotes.

Submission:

All of Us Research Program, National Institutes of Health
Classification: Uncertain significance for Malignant hyperthermia, susceptibility to, 5. Last evaluated: 2024-04-16. Review status: criteria provided, single submitter. Criteria: ACMG Guidelines, 2015. Collection method: clinical testing. Allele origin: germline. Inheritance: Autosomal dominant inheritance. Observed: 1 variant allele, 1 heterozygote.
Comment: This missense variant replaces proline with threonine at codon 1713 of the CACNA1S protein. Computational prediction suggests that this variant may not impact protein structure and function (internally defined REVEL score threshold <= 0.5, PMID: 27666373). To our knowledge, functional studies have not been reported for this variant. This variant has not been reported in individuals affected with CACNA1S-related disorders in the literature. This variant has not been identified in the general population by the Genome Aggregation Database (gnomAD). The available evidence is insufficient to determine the role of this variant in disease conclusively. Therefore, this variant is classified as a Variant of Uncertain Significance.

This study involves interpretation of variants in research participants for the purpose of population health screening. Participant phenotype was not available at the time of variant classification. Additional details can be found in publication PMID: 35346344, PMCID: PMC8962531

NM_000069.3(CACNA1S):c.5137C>A (p.Pro1713Thr)

Gene: CACNA1S (calcium voltage-gated channel subunit alpha1 S; minus strand). Cytogenetic location: 1q32.1.
Variant type: single nucleotide variant.
Coding change: c.5137C>A on transcript NM_000069.3 (MANE Select); coding-DNA position 5137, C replaced by A.
Protein change: p.Pro1713Thr; replaces proline 1713 with threonine.
Molecular consequence: missense variant.
Genome position (GRCh38, 1-based): chr1:201,040,711, G>T on the plus strand (C>A on the coding strand, the complement: CACNA1S is on the minus strand). VCF-style: chr1-201040711-G-T. GRCh37 (hg19) VCF-style: chr1-201009839-G-T.
Other names: short protein forms P1713T.
Identifiers: ClinVar variation 3386277 (VCV003386277.1).